The following is an entry in ClinVar:

NM_002838.5(PTPRC):c.3853A>C (p.Ser1285Arg)

Gene: PTPRC (protein tyrosine phosphatase receptor type C; plus strand). Cytogenetic location: 1q32.1.
Variant type: single nucleotide variant.
Coding change: c.3853A>C on transcript NM_002838.5 (MANE Select); coding-DNA position 3853, A replaced by C.
Protein change: p.Ser1285Arg; replaces serine 1285 with arginine.
Molecular consequence: missense variant.
Genome position (GRCh38, 1-based): chr1:198,756,113, A>C. VCF-style: chr1-198756113-A-C. GRCh37 (hg19) VCF-style: chr1-198725242-A-C.
Other names: c.3370A>C, p.Ser1124Arg (NM_080921.4); short protein forms S1124R, S1285R.
Identifiers: ClinVar variation 856084 (VCV000856084.6), dbSNP rs2298872, ClinGen allele CA1315572.

ClinVar aggregate classification (germline): Uncertain significance (1 of 4 stars; one submission).

Conditions:
Immunodeficiency 104. Also called: Severe combined immunodeficiency, autosomal recessive, T cell-negative, B cell-positive, NK cell-positive; Severe Combined Immune Deficiency, Autosomal Recessive, TCell -Negative, B Cell-Positive, NK Cell-Positive, IL7R-Related; SCID, AUTOSOMAL RECESSIVE, T CELL-NEGATIVE, B CELL-POSITIVE, NK CELL-POSITIVE; IMMUNODEFICIENCY 104, SEVERE COMBINED. Identifiers: MedGen C5676890, MONDO:0012163, OMIM 608971.

Allele frequency attached by ClinVar (database versions not stated): TOPMed 0.00003; gnomAD 0.00004 and 0.00013; ExAC 0.00011; 1000 Genomes Project 30x 0.00031; 1000 Genomes Project 0.00040.
gnomAD v4.1: 413 of 1,613,402 alleles (0.026%); highest among the groups gnomAD compares: East Asian, 0.91%; 6 homozygotes.

Submission:

Labcorp Genetics (formerly Invitae), Labcorp
Classification: Uncertain significance for Immunodeficiency 104. Last evaluated: 2021-08-31. Review status: criteria provided, single submitter. Criteria: Invitae Variant Classification Sherloc (09022015). Collection method: clinical testing. Allele origin: germline.
Comment: This sequence change replaces serine with arginine at codon 1285 of the PTPRC protein (p.Ser1285Arg). The serine residue is moderately conserved and there is a moderate physicochemical difference between serine and arginine. This variant is present in population databases (rs2298872, ExAC 0.2%). This variant has not been reported in the literature in individuals affected with PTPRC-related conditions. Algorithms developed to predict the effect of missense changes on protein structure and function output the following: SIFT: "Deleterious"; PolyPhen-2: "Benign"; Align-GVGD: "Class C0". The arginine amino acid residue is found in multiple mammalian species, which suggests that this missense change does not adversely affect protein function. In summary, the available evidence is currently insufficient to determine the role of this variant in disease. Therefore, it has been classified as a Variant of Uncertain Significance.